The following is an entry in ClinVar:

ClinVar aggregate classification (germline): Uncertain significance (1 of 4 stars; one submission).

Conditions:
Spastic paraplegia. Identifiers: MedGen C0037772, HP:0001258.

gnomAD v4.1: 1 of 1,613,714 alleles (0.000062%); highest among the groups gnomAD compares: South Asian, 0.0011%; no homozygotes.

Submission:

Labcorp Genetics (formerly Invitae), Labcorp
Classification: Uncertain significance for Spastic paraplegia. Last evaluated: 2019-11-19. Review status: criteria provided, single submitter. Criteria: Invitae Variant Classification Sherloc (09022015). Collection method: clinical testing. Allele origin: germline.
Comment: This sequence change replaces glycine with aspartic acid at codon 298 of the FA2H protein (p.Gly298Asp). The glycine residue is weakly conserved and there is a moderate physicochemical difference between glycine and aspartic acid. This variant is not present in population databases (ExAC no frequency). This variant has been observed in individual(s) with hereditary spastic paraplegia (Invitae). Algorithms developed to predict the effect of missense changes on protein structure and function (SIFT, PolyPhen-2, Align-GVGD) all suggest that this variant is likely to be tolerated, but these predictions have not been confirmed by published functional studies and their clinical significance is uncertain. In summary, the available evidence is currently insufficient to determine the role of this variant in disease. Therefore, it has been classified as a Variant of Uncertain Significance.

NM_024306.5(FA2H):c.893G>A (p.Gly298Asp)

Gene: FA2H (fatty acid 2-hydroxylase; minus strand). Cytogenetic location: 16q23.1.
Variant type: single nucleotide variant.
Coding change: c.893G>A on transcript NM_024306.5 (MANE Select); coding-DNA position 893, G replaced by A.
Protein change: p.Gly298Asp; replaces glycine 298 with aspartic acid.
Molecular consequence: missense variant.
Genome position (GRCh38, 1-based): chr16:74,716,493, C>T on the plus strand (G>A on the coding strand, the complement: FA2H is on the minus strand). VCF-style: chr16-74716493-C-T. GRCh37 (hg19) VCF-style: chr16-74750391-C-T.
Other names: short protein forms G298D.
Identifiers: ClinVar variation 863423 (VCV000863423.1), dbSNP rs573835278, ClinGen allele CA396769125.
Genomic context (GRCh38, chr16:74,716,493, plus strand): 5'-AGGTAGTAATGGGTCATGTCATAGAGGACGTAGCCCAGGAGGCCCCCCGCAAACACAGTG[C>T]CCCCTACTGCCTCGGGCAGGATGAGCTGCATGCACAAGTAGAAGACGCCGATCACCAGGG-3'
Protein context (NP_077282.3, residues 288-308): MQLILPEAVG[Gly298Asp]TVFAGGLLGY